The following is an entry in ClinVar:

ClinVar aggregate classification (germline): Uncertain significance. Review status: criteria provided, multiple submitters, no conflicts (2 of 4 stars). 2 submissions from 2 submitters: Uncertain significance (2). Last evaluated 2024-03-20.

Conditions:
Leigh syndrome (NULS). Also called: Leigh's necrotizing encephalopathy; Leigh's disease; Leigh Syndrome (mtDNA deletion); Leigh Disease; Subacute necrotizing encephalopathy; Necrotizing encephalopathy infantile subacute of Leigh. Identifiers: Orphanet 506, MedGen C2931891, MONDO:0009723, OMIM 256000.

Submissions (2):

Clinical Genetics Laboratory, Skane University Hospital Lund
Classification: Uncertain significance. Last evaluated: 2024-03-20. Review status: criteria provided, single submitter. Criteria: ACMG Guidelines, 2015. Collection method: clinical testing. Allele origin: germline. Affected: yes.

Wong Mito Lab, Molecular and Human Genetics, Baylor College of Medicine
Classification: Uncertain significance for Leigh syndrome. Last evaluated: 2019-10-17. Review status: criteria provided, single submitter. Criteria: Modified ACMG Guidelines (Unpublished). Collection method: clinical testing. Allele origin: germline.
Comment: The NC_012920.1:m.9179T>C (YP_003024031.1:p.Val218Ala) variant in MTATP6 gene is interpretated to be a Uncertain Significance variant based on the modified ACMG guidelines (unpublished). This variant meets the following evidence codes: PP4, PP6

NC_012920.1(MT-ATP6):m.9179T>C

Gene: MT-ATP6 (mitochondrially encoded ATP synthase 6; plus strand).
Variant type: single nucleotide variant.
Genome position: chrM-9179-T-C.
Identifiers: ClinVar variation 693117 (VCV000693117.2), dbSNP rs1603222150, ClinGen allele CA414802365.